The following is an entry in ClinVar:

NM_024422.6(DSC2):c.2530G>C (p.Asp844His)

Gene: DSC2 (desmocollin 2; minus strand). Cytogenetic location: 18q12.1.
Variant type: single nucleotide variant.
Coding change: c.2530G>C on transcript NM_024422.6 (MANE Select); coding-DNA position 2530, G replaced by C.
Protein change: p.Asp844His; replaces aspartic acid 844 with histidine.
Molecular consequence: missense variant. On other transcripts: 3 prime UTR variant (1).
Genome position (GRCh38, 1-based): chr18:31,068,191, C>G on the plus strand (G>C on the coding strand, the complement: DSC2 is on the minus strand). VCF-style: chr18-31068191-C-G. GRCh37 (hg19) VCF-style: chr18-28648157-C-G.
Other names: c.*32G>C (NM_004949.5); short protein forms D844H.
Identifiers: ClinVar variation 1171576 (VCV001171576.3), dbSNP rs2144781408, ClinGen allele CA402110858.

ClinVar aggregate classification (germline): Uncertain significance (1 of 4 stars; one submission).

Conditions:
Cardiomyopathy (CMYO). Also called: Cardiomyopathies. Identifiers: Orphanet 167848, MedGen C0878544, MONDO:0004994, HP:0001638. Inheritance: Various modes of inheritance.

Submission:

Color Diagnostics, LLC DBA Color Health
Classification: Uncertain significance for Cardiomyopathy. Last evaluated: 2024-03-07. Review status: criteria provided, single submitter. Criteria: ACMG Guidelines, 2015. Collection method: clinical testing. Allele origin: germline.
Comment: This missense variant replaces aspartic acid with histidine at codon 844 of the DSC2 protein. Computational prediction suggests that this variant may not impact protein structure and function (internally defined REVEL score threshold <= 0.5, PMID: 27666373). To our knowledge, functional studies have not been reported for this variant. This variant has not been reported in individuals affected with cardiovascular disorders in the literature. This variant has not been identified in the general population by the Genome Aggregation Database (gnomAD). The available evidence is insufficient to determine the role of this variant in disease conclusively. Therefore, this variant is classified as a Variant of Uncertain Significance.